The following is an entry in ClinVar:

ClinVar aggregate classification (germline): Likely pathogenic. Review status: criteria provided, multiple submitters, no conflicts (2 of 4 stars). 4 submissions from 3 submitters: Likely pathogenic (2). 2 of the submissions do not count toward it. Last evaluated 2026-01-24.

Conditions:
Transitory neonatal diabetes mellitus. Also called: Transient neonatal diabetes mellitus. Identifiers: MedGen C0342273, MONDO:0020525, HP:0008255.
Maturity-onset diabetes of the young (MODY). Also called: Maturity onset diabetes mellitus in young. Identifiers: Orphanet 552, MedGen C0342276, MONDO:0018911, HP:0004904.

Submissions (4):

Labcorp Genetics (formerly Invitae), Labcorp
Classification: Likely pathogenic. Last evaluated: 2026-01-24. Review status: criteria provided, single submitter. Criteria: Invitae Variant Classification Sherloc (09022015). Collection method: clinical testing. Allele origin: germline.
Comment: This sequence change replaces glycine, which is neutral and non-polar, with serine, which is neutral and polar, at codon 716 of the ABCC8 protein (p.Gly716Ser). This variant is not present in population databases (gnomAD no frequency). This missense change has been observed in individual(s) with autosomal dominant hyperinsulinism (PMID: 23506826). ClinVar contains an entry for this variant (Variation ID: 804490). Invitae Evidence Modeling of protein sequence and biophysical properties (such as structural, functional, and spatial information, amino acid conservation, physicochemical variation, residue mobility, and thermodynamic stability) indicates that this missense variant is expected to disrupt ABCC8 protein function with a positive predictive value of 95%. This variant disrupts the p.Gly716 amino acid residue in ABCC8. Other variant(s) that disrupt this residue have been determined to be pathogenic (PMID: 20685672, 21536946, 24401662). This suggests that this residue is clinically significant, and that variants that disrupt this residue are likely to be disease-causing. In summary, the currently available evidence indicates that the variant is pathogenic, but additional data are needed to prove that conclusively. Therefore, this variant has been classified as Likely Pathogenic.

Athena Diagnostics
Classification: Likely pathogenic. Last evaluated: 2018-11-16. Review status: criteria provided, single submitter. Criteria: Athena Diagnostics Criteria. Collection method: clinical testing. Allele origin: germline.
Comment: A missense variant with dominant and/or recessive inheritance. Not found in the total gnomAD dataset, and the data is high quality (0/278276 chr). Predicted to have a damaging effect on the protein. Located in potentially critical domain of the protein.

Clinical Genomics, Uppaluri K&H Personalized Medicine Clinic
Classification: Uncertain significance for Maturity-onset diabetes of the young. Review status: flagged submission. Criteria: K & H Uppaluri Personalized Medicine Clinic Variant Classification & Assertion Criteria_Updated V.1. Collection method: research. Allele origin: unknown. Inheritance: Somatic mutation. Not counted in ClinVar's aggregate classification.
Comment: Mutations in ABCC8 gene are associated with both neonatal diabetes mellitus as well as MODY. Patients with this mutation may have a better response to sulfonylureas. However, no sufficient evidence is found to ascertain the role of this particular variant ( rs1591794677) in MODY yet.
ClinVar note: Reason: Claim with insufficient supporting evidence

Clinical Genomics, Uppaluri K&H Personalized Medicine Clinic
Classification: Uncertain significance for Transitory neonatal diabetes mellitus. Review status: flagged submission. Criteria: K & H Uppaluri Personalized Medicine Clinic Variant Classification & Assertion Criteria_Updated V.1. Collection method: research. Allele origin: unknown. Inheritance: Somatic mutation. Not counted in ClinVar's aggregate classification.
Comment: Mutations in ABCC8 gene are associated with both neonatal diabetes mellitus as well as MODY. Patients with this mutation may have a better response to sulfonylureas. However, no sufficient evidence is found to ascertain the role of this particular variant ( rs1591794677) in neonatal diabetes yet.
ClinVar note: Reason: Claim with insufficient supporting evidence

Literature cited by the submitters: PubMed 23506826 (cited by Labcorp Genetics (formerly Invitae), Labcorp and Athena Diagnostics); PubMed 20685672 (cited by Labcorp Genetics (formerly Invitae), Labcorp); PubMed 21536946 (cited by Labcorp Genetics (formerly Invitae), Labcorp); PubMed 24401662 (cited by Labcorp Genetics (formerly Invitae), Labcorp); PubMed 16885549 (cited by Clinical Genomics, Uppaluri K&H Personalized Medicine Clinic); PubMed 21989597 (cited by Clinical Genomics, Uppaluri K&H Personalized Medicine Clinic); PubMed 27538677 (cited by Clinical Genomics, Uppaluri K&H Personalized Medicine Clinic); PubMed 18981553 (cited by Clinical Genomics, Uppaluri K&H Personalized Medicine Clinic); PubMed 32027066 (cited by Clinical Genomics, Uppaluri K&H Personalized Medicine Clinic); PubMed 16613899 (cited by Clinical Genomics, Uppaluri K&H Personalized Medicine Clinic); PubMed 18025408 (cited by Clinical Genomics, Uppaluri K&H Personalized Medicine Clinic); PubMed 32792356 (cited by Clinical Genomics, Uppaluri K&H Personalized Medicine Clinic).

NM_000352.6(ABCC8):c.2146G>A (p.Gly716Ser)

Gene: ABCC8 (ATP binding cassette subfamily C member 8; minus strand). Cytogenetic location: 11p15.1.
Variant type: single nucleotide variant.
Coding change: c.2146G>A on transcript NM_000352.6 (MANE Select); coding-DNA position 2146, G replaced by A.
Protein change: p.Gly716Ser; replaces glycine 716 with serine.
Molecular consequence: missense variant. On other transcripts: non-coding transcript variant (1).
Genome position (GRCh38, 1-based): chr11:17,427,125, C>T on the plus strand (G>A on the coding strand, the complement: ABCC8 is on the minus strand). VCF-style: chr11-17427125-C-T. GRCh37 (hg19) VCF-style: chr11-17448672-C-T.
Other names: c.2146G>A, p.Gly716Ser (NM_001287174.3); c.2212G>A, p.Gly738Ser (NM_001351295.2); c.2143G>A, p.Gly715Ser (NM_001351296.2, NM_001351297.2); short protein forms G716S, G715S, G738S.
Identifiers: ClinVar variation 804490 (VCV000804490.3), dbSNP rs1591794677, ClinGen allele CA379813710.